The following is an entry in ClinVar:

ClinVar aggregate classification (germline): Uncertain significance. Review status: criteria provided, multiple submitters, no conflicts (2 of 4 stars). 2 submissions from 2 submitters: Uncertain significance (2). Last evaluated 2024-07-23.

Conditions:
Arrhythmogenic cardiomyopathy with wooly hair and keratoderma. Also called: PALMOPLANTAR KERATODERMA WITH LEFT VENTRICULAR CARDIOMYOPATHY AND WOOLLY HAIR; Dilated cardiomyopathy with woolly hair and keratoderma; Arrhythmogenic cardiomyopathy with woolly hair and keratoderma; Carvajal syndrome. Identifiers: Orphanet 65282, MedGen C1854063, MONDO:0011581, OMIM 605676.
Keratosis palmoplantaris striata 2. Also called: Keratosis palmoplantaris striata II; KERATODERMA, PALMOPLANTAR, STRIATE FORM II; STRIATE PALMOPLANTAR KERATODERMA II. Identifiers: MedGen C1852127, MONDO:0013034, OMIM 612908.
Arrhythmogenic right ventricular dysplasia 8 (ARVD8). Also called: ARRHYTHMOGENIC RIGHT VENTRICULAR DYSPLASIA, FAMILIAL, 8; Arrhythmogenic Right Ventricular Dysplasia/Cardiomyopathy 8; ARRHYTHMOGENIC RIGHT VENTRICULAR CARDIOMYOPATHY 8. Identifiers: MedGen C1843896, MONDO:0011831, OMIM 607450.
Lethal acantholytic epidermolysis bullosa (EBLA). Identifiers: Orphanet 158687, MedGen C1864826, MONDO:0012323, OMIM 609638.
Woolly hair-skin fragility syndrome (WHSF). Identifiers: Orphanet 293165, MedGen C1843292, MONDO:0957307, OMIM 620415.
Cardiomyopathy, dilated, with wooly hair, keratoderma, and tooth agenesis. Also called: Cardiomyopathy, dilated, with woolly hair, keratoderma, and tooth agenesis; Erythrokeratodermia-cardiomyopathy syndrome. Identifiers: Orphanet 476096, Orphanet 65282, MedGen C4014393, MONDO:0014355, OMIM 615821.

Allele frequency attached by ClinVar (database versions not stated): gnomAD exomes below 0.00001; TOPMed below 0.00001; gnomAD 0.00001.

Submissions (2):

Labcorp Genetics (formerly Invitae), Labcorp
Classification: Uncertain significance for Arrhythmogenic cardiomyopathy with wooly hair and keratoderma; Arrhythmogenic right ventricular dysplasia 8. Last evaluated: 2024-07-23. Review status: criteria provided, single submitter. Criteria: Invitae Variant Classification Sherloc (09022015). Collection method: clinical testing. Allele origin: germline.
Comment: This sequence change replaces glutamic acid, which is acidic and polar, with lysine, which is basic and polar, at codon 1918 of the DSP protein (p.Glu1918Lys). This variant is present in population databases (no rsID available, gnomAD 0.002%). This variant has not been reported in the literature in individuals affected with DSP-related conditions. ClinVar contains an entry for this variant (Variation ID: 1038280). An algorithm developed to predict the effect of missense changes on protein structure and function (PolyPhen-2) suggests that this variant is likely to be tolerated. In summary, the available evidence is currently insufficient to determine the role of this variant in disease. Therefore, it has been classified as a Variant of Uncertain Significance.

Fulgent Genetics
Classification: Uncertain significance for Arrhythmogenic cardiomyopathy with wooly hair and keratoderma; Arrhythmogenic right ventricular dysplasia 8; Lethal acantholytic epidermolysis bullosa; Keratosis palmoplantaris striata 2; Cardiomyopathy, dilated, with wooly hair, keratoderma, and tooth agenesis. Last evaluated: 2021-10-11. Review status: criteria provided, single submitter. Criteria: ACMG Guidelines, 2015. Collection method: clinical testing. Allele origin: unknown.

NM_004415.4(DSP):c.5752G>A (p.Glu1918Lys)

Gene: DSP (desmoplakin; plus strand). Cytogenetic location: 6p24.3.
Variant type: single nucleotide variant.
Coding change: c.5752G>A on transcript NM_004415.4 (MANE Select); coding-DNA position 5752, G replaced by A.
Protein change: p.Glu1918Lys; replaces glutamic acid 1918 with lysine.
Molecular consequence: missense variant.
Genome position (GRCh38, 1-based): chr6:7,583,014, G>A. VCF-style: chr6-7583014-G-A. GRCh37 (hg19) VCF-style: chr6-7583247-G-A.
Other names: c.3955G>A, p.Glu1319Lys (NM_001008844.3); c.4423G>A, p.Glu1475Lys (NM_001319034.2); short protein forms E1319K, E1918K, E1475K.
Identifiers: ClinVar variation 1038280 (VCV001038280.10), dbSNP rs1352220803, ClinGen allele CA362689335.
Genomic context (GRCh38, chr6:7,583,014, plus strand): 5'-GAGATCGAAAGACTCCAAGCAGAGATCAAGAGAATTGAAGAGAGGTGCAGGCGTAAGCTG[G>A]AGGATTCTACCAGGGAGACACAGTCACAGTTAGAAACAGAACGCTCCCGATATCAGAGGG-3'
Protein context (NP_004406.2, residues 1908-1928): RIEERCRRKL[Glu1918Lys]DSTRETQSQL